The following is an entry in ClinVar:

NM_130384.3(ATRIP):c.493C>T (p.Leu165Phe)

Genes: ATRIP (ATR interacting protein; plus strand), ATRIP-TREX1 (ATRIP-TREX1 readthrough; plus strand). Cytogenetic location: 3p21.31.
Variant type: single nucleotide variant.
Coding change: c.493C>T on transcript NM_130384.3 (MANE Select); coding-DNA position 493, C replaced by T.
Protein change: p.Leu165Phe; replaces leucine 165 with phenylalanine.
Molecular consequence: missense variant. On other transcripts: non-coding transcript variant (1).
Genome position (GRCh38, 1-based): chr3:48,451,840, C>T. VCF-style: chr3-48451840-C-T. GRCh37 (hg19) VCF-style: chr3-48493246-C-T.
Other names: c.112C>T, p.Leu38Phe (NM_001271022.2); c.214C>T, p.Leu72Phe (NM_001271023.2); c.493C>T, p.Leu165Phe (NM_032166.4); short protein forms L165F, L72F, L38F.
Identifiers: ClinVar variation 4842178 (VCV004842178.1).

ClinVar aggregate classification (germline): Uncertain significance (1 of 4 stars; one submission).

Submission:

Ambry Genetics
Classification: Uncertain significance. Last evaluated: 2026-01-01. Review status: criteria provided, single submitter. Criteria: Ambry Variant Classification Scheme 2023. Collection method: clinical testing. Allele origin: germline.
Comment: The p.L165F variant (also known as c.493C>T), located in coding exon 3 of the ATRIP gene, results from a C to T substitution at nucleotide position 493. The leucine at codon 165 is replaced by phenylalanine, an amino acid with highly similar properties. This amino acid position is conserved. In addition, the in silico prediction for this alteration is inconclusive. Based on the available evidence, the clinical significance of this variant remains unclear.